The following is an entry in ClinVar:

NM_052947.4(ALPK2):c.1835C>T (p.Ala612Val)

Gene: ALPK2 (alpha kinase 2; minus strand). Cytogenetic location: 18q21.31.
Variant type: single nucleotide variant.
Coding change: c.1835C>T on transcript NM_052947.4 (MANE Select); coding-DNA position 1835, C replaced by T.
Protein change: p.Ala612Val; replaces alanine 612 with valine.
Molecular consequence: missense variant.
Genome position (GRCh38, 1-based): chr18:58,578,941, G>A on the plus strand (C>T on the coding strand, the complement: ALPK2 is on the minus strand). VCF-style: chr18-58578941-G-A. GRCh37 (hg19) VCF-style: chr18-56246173-G-A.
Other names: short protein forms A612V.
Identifiers: ClinVar variation 3228592 (VCV003228592.1), dbSNP rs2144197213, ClinGen allele CA402559883.

ClinVar aggregate classification (germline): Uncertain significance (1 of 4 stars; one submission).

Allele frequency attached by ClinVar (database versions not stated): gnomAD 0.00001.
gnomAD v4.1: 1 of 1,614,146 alleles (0.000062%); highest among the groups gnomAD compares: South Asian, 0.0011%; no homozygotes.

Submission:

Ambry Genetics
Classification: Uncertain significance. Last evaluated: 2024-01-17. Review status: criteria provided, single submitter. Criteria: Ambry Variant Classification Scheme 2023. Collection method: clinical testing. Allele origin: germline.
Comment: The p.A612V variant (also known as c.1835C>T), located in coding exon 3 of the ALPK2 gene, results from a C to T substitution at nucleotide position 1835. The alanine at codon 612 is replaced by valine, an amino acid with similar properties. This amino acid position is conserved. In addition, this alteration is predicted to be tolerated by in silico analysis. Based on the available evidence, the clinical significance of this alteration remains unclear.